The following is an entry in ClinVar:

NM_001080466.2(BTBD17):c.399C>A (p.Thr133=)

Gene: BTBD17 (BTB domain containing 17; minus strand). Cytogenetic location: 17q25.1.
Variant type: single nucleotide variant.
Coding change: c.399C>A on transcript NM_001080466.2 (MANE Select); coding-DNA position 399, C replaced by A.
Protein change: p.Thr133=; no amino-acid change (threonine 133 retained).
Molecular consequence: synonymous variant.
Genome position (GRCh38, 1-based): chr17:74,357,695, G>T on the plus strand (C>A on the coding strand, the complement: BTBD17 is on the minus strand). VCF-style: chr17-74357695-G-T. GRCh37 (hg19) VCF-style: chr17-72353834-G-T.
Identifiers: ClinVar variation 4084517 (VCV004084517.8).

ClinVar aggregate classification (germline): Likely benign (1 of 4 stars; one submission).

gnomAD v4.1: 26 of 1,546,972 alleles (0.0017%); highest among the groups gnomAD compares: Non-Finnish European, 0.0021%; no homozygotes.

Submission:

CeGaT Center for Human Genetics Tuebingen
Classification: Likely benign. Last evaluated: 2026-08-01. Review status: criteria provided, single submitter. Criteria: CeGaT Center For Human Genetics Tuebingen Variant Classification Criteria Version 2. Collection method: clinical testing. Allele origin: germline. Affected: yes. Observed: 2 variant alleles.
Comment: BTBD17: BP4, BP7